The following is an entry in ClinVar:

NM_006302.3(MOGS):c.82G>T (p.Gly28Trp)

Genes: MOGS (mannosyl-oligosaccharide glucosidase; minus strand), LOC129934128 (ATAC-STARR-seq lymphoblastoid silent region 11664; plus strand). Cytogenetic location: 2p13.1.
Variant type: single nucleotide variant.
Coding change: c.82G>T on transcript NM_006302.3 (MANE Select); coding-DNA position 82, G replaced by T.
Protein change: p.Gly28Trp; replaces glycine 28 with tryptophan.
Molecular consequence: missense variant. On other transcripts: intron variant (1).
Genome position (GRCh38, 1-based): chr2:74,465,166, C>A on the plus strand (G>T on the coding strand, the complement: MOGS is on the minus strand). VCF-style: chr2-74465166-C-A. GRCh37 (hg19) VCF-style: chr2-74692293-C-A.
Other names: c.-59+148G>T (NM_001146158.2); short protein forms G28W.
Identifiers: ClinVar variation 2627429 (VCV002627429.1), dbSNP rs1261998651, ClinGen allele CA347383573.

ClinVar aggregate classification (germline): Uncertain significance (1 of 4 stars; one submission).

Conditions:
MOGS-congenital disorder of glycosylation. Also called: CDG IIb; CDG 2B; MOGS-CDG; GLUCOSIDASE I DEFICIENCY. Identifiers: Orphanet 79330, MedGen C1853736, MONDO:0011629, OMIM 606056.

gnomAD v4.1: 2 of 1,531,160 alleles (0.00013%); highest among the groups gnomAD compares: South Asian, 0.0024%; no homozygotes.

Submission:

Neuberg Centre For Genomic Medicine, NCGM
Classification: Uncertain significance for MOGS-congenital disorder of glycosylation. Review status: criteria provided, single submitter. Criteria: ACMG Guidelines, 2015. Collection method: clinical testing. Allele origin: germline. Inheritance: Autosomal recessive inheritance. Affected: yes.
Comment: The missense variant p.G28W in MOGS (NM_006302.3) has not been reported previously as a pathogenic variant nor as a benign variant, to our knowledge. The p.G28W variant is novel (not in any individuals) in gnomAD Exomes and is novel (not in any individuals) in 1000 Genomes. The p.G28W missense variant is predicted to be damaging by both SIFT and PolyPhen2. For these reasons, this variant has been classified as Uncertain Significance.